The following is an entry in ClinVar:

ClinVar aggregate classification (germline): Uncertain significance (1 of 4 stars; one submission).

Submission:

GeneDx
Classification: Uncertain significance. Last evaluated: 2026-02-25. Review status: criteria provided, single submitter. Criteria: GeneDx Variant Classification Process June 2021. Collection method: clinical testing. Allele origin: germline.
Comment: Not observed at significant frequency in large population cohorts (gnomAD); In silico analysis suggests that this missense variant does not alter protein structure/function; Has not been previously published as pathogenic or benign to our knowledge

NM_001083614.2(EARS2):c.41C>A (p.Pro14His)

Genes: EARS2 (glutamyl-tRNA synthetase 2, mitochondrial; minus strand), LOC130058664 (ATAC-STARR-seq lymphoblastoid active region 10583; plus strand). Cytogenetic location: 16p12.2.
Variant type: single nucleotide variant.
Coding change: c.41C>A on transcript NM_001083614.2 (MANE Select); coding-DNA position 41, C replaced by A.
Protein change: p.Pro14His; replaces proline 14 with histidine.
Molecular consequence: missense variant. On other transcripts: non-coding transcript variant (1).
Genome position (GRCh38, 1-based): chr16:23,557,303, G>T on the plus strand (C>A on the coding strand, the complement: EARS2 is on the minus strand). VCF-style: chr16-23557303-G-T. GRCh37 (hg19) VCF-style: chr16-23568624-G-T.
Other names: c.41C>A, p.Pro14His (NM_001308211.1); short protein forms P14H.
Identifiers: ClinVar variation 5009974 (VCV005009974.1).